The following is an entry in ClinVar:

ClinVar aggregate classification (germline): Uncertain significance (1 of 4 stars; one submission).

Submission:

GeneDx
Classification: Uncertain significance. Last evaluated: 2015-05-22. Review status: criteria provided, single submitter. Criteria: GeneDx Variant Classification (06012015). Collection method: clinical testing. Allele origin: germline. Affected: yes.
Comment: This variant is denoted ATM c.1575G>T at the cDNA level, p.Lys525Asn (K525N) at the protein level, and results in the change of a Lysine to an Asparagine (AAG>AAT). This variant has not, to our knowledge, been published in the literature as pathogenic or benign. ATM Lys525Asn was not observed in approximately 6,500 individuals of European and African American ancestry in the NHLBI Exome Sequencing Project, indicating it is not a common benign variant in these populations. Since Lysine and Asparagine differ in some properties, this is considered a semi-conservative amino acid substitution. ATM Lys525Asn occurs at a position that is not conserved and is not located in a known functional domain (Tavtigian 2009). In silico analyses are inconsistent regarding the effect this variant may have on protein structure and function. Based on currently available information, it is unclear whether ATM Lys525Asn is pathogenic or benign. We consider it to be a variant of uncertain significance.

NM_000051.4(ATM):c.1575G>T (p.Lys525Asn)

Gene: ATM (ATM serine/threonine kinase; plus strand). Cytogenetic location: 11q22.3.
Variant type: single nucleotide variant.
Coding change: c.1575G>T on transcript NM_000051.4 (MANE Select); coding-DNA position 1575, G replaced by T.
Protein change: p.Lys525Asn; replaces lysine 525 with asparagine.
Molecular consequence: missense variant.
Genome position (GRCh38, 1-based): chr11:108,251,040, G>T. VCF-style: chr11-108251040-G-T. GRCh37 (hg19) VCF-style: chr11-108121767-G-T.
Other names: c.1575G>T, p.Lys525Asn (NM_001351834.2); short protein forms K525N.
Identifiers: ClinVar variation 419111 (VCV000419111.2), dbSNP rs587780613, ClinGen allele CA16619119.
Genomic context (GRCh38, chr11:108,251,040, plus strand): 5'-TGGCTTACTTGGAGCCATAATTCAGGGTAGTTTAGTTGAGGTTGACAGAGAATTCTGGAA[G>T]TTATTTACTGGGTCAGCCTGCAGACCTTCATGGTAAGTTCAGCATGCATTATGTCTGACT-3'
Protein context (NP_000042.3, residues 515-535): SLVEVDREFW[Lys525Asn]LFTGSACRPS